The following is an entry in ClinVar:

NM_000505.4(F12):c.115+5G>T

Gene: F12 (coagulation factor XII; minus strand). Cytogenetic location: 5q35.3.
Variant type: single nucleotide variant.
Coding change: c.115+5G>T on transcript NM_000505.4 (MANE Select); 5 bases into the intron after coding-DNA position 115, G replaced by T.
Molecular consequence: intron variant.
Genome position (GRCh38, 1-based): chr5:177,409,041, C>A on the plus strand (G>T on the coding strand, the complement: F12 is on the minus strand). VCF-style: chr5-177409041-C-A. GRCh37 (hg19) VCF-style: chr5-176836042-C-A.
Identifiers: ClinVar variation 4982110 (VCV004982110.1).

ClinVar aggregate classification (germline): Likely benign (1 of 4 stars; one submission).

Conditions:
F12-related disorder. Also called: F12-related condition; F12-related disorders. Identifiers: MedGen CN239389.

Submission:

PreventionGenetics, part of Exact Sciences
Classification: Likely benign for F12-related condition. Last evaluated: 2024-11-06. Review status: criteria provided, single submitter. Criteria: ACMG Guidelines, 2015. Collection method: clinical testing. Allele origin: germline.
Comment: This variant is classified as likely benign based on ACMG/AMP sequence variant interpretation guidelines (Richards et al. 2015 PMID: 25741868, with internal and published modifications).